The following is an entry in ClinVar:

ClinVar aggregate classification (germline): Likely benign. Review status: criteria provided, single submitter (1 of 4 stars). 2 submissions from 2 submitters: Likely benign (1). 1 of the submissions does not count toward it. Last evaluated 2025-03-01.

Conditions:
ZFHX2-related disorder. Also called: ZFHX2-related condition.

Allele frequency attached by ClinVar (database versions not stated): 1000 Genomes Project 0.00160; 1000 Genomes Project 30x 0.00187.
gnomAD v4.1: 530 of 1,527,254 alleles (0.035%); highest among the groups gnomAD compares: Admixed American, 0.75%; 3 homozygotes.

Submissions (2):

CeGaT Center for Human Genetics Tuebingen
Classification: Likely benign. Last evaluated: 2025-03-01. Review status: criteria provided, single submitter. Criteria: CeGaT Center For Human Genetics Tuebingen Variant Classification Criteria Version 2. Collection method: clinical testing. Allele origin: germline. Affected: yes. Observed: 2 variant alleles.
Comment: ZFHX2: BP4, BP7

PreventionGenetics, part of Exact Sciences
Classification: Likely benign for ZFHX2-related condition. Last evaluated: 2019-11-11. Review status: no assertion criteria provided. Collection method: clinical testing. Allele origin: germline. Not counted in ClinVar's aggregate classification.
Comment: This variant is classified as likely benign based on ACMG/AMP sequence variant interpretation guidelines (Richards et al. 2015 PMID: 25741868, with internal and published modifications).

NM_033400.3(ZFHX2):c.5406C>G (p.Pro1802=)

Genes: THTPA (thiamine triphosphatase; plus strand), ZFHX2 (zinc finger homeobox 2; minus strand). Cytogenetic location: 14q11.2.
Variant type: single nucleotide variant.
Coding change: c.5406C>G on transcript NM_033400.3 (MANE Select); coding-DNA position 5406, C replaced by G.
Protein change: p.Pro1802=; no amino-acid change (proline 1802 retained).
Molecular consequence: synonymous variant.
Genome position (GRCh38, 1-based): chr14:23,524,536, G>C on the plus strand (C>G on the coding strand, the complement: ZFHX2 is on the minus strand). VCF-style: chr14-23524536-G-C. GRCh37 (hg19) VCF-style: chr14-23993745-G-C.
Other names: c.5406C>G (NM_033400.2).
Identifiers: ClinVar variation 2644111 (VCV002644111.25), dbSNP rs61734117, ClinGen allele CA7116892.